The following is an entry in ClinVar:

ClinVar aggregate classification (germline): Uncertain significance (1 of 4 stars; one submission).

Conditions:
Niemann-Pick disease, type C1. Also called: NIEMANN-PICK DISEASE, VARIANT TYPE C1; NEUROVISCERAL STORAGE DISEASE WITH VERTICAL SUPRANUCLEAR OPHTHALMOPLEGIA; NIEMANN-PICK DISEASE WITH CHOLESTEROL ESTERIFICATION BLOCK; NIEMANN-PICK DISEASE WITHOUT SPHINGOMYELINASE DEFICIENCY; NIEMANN-PICK DISEASE, CHRONIC NEURONOPATHIC FORM. Identifiers: Orphanet 646, MedGen C3179455, MONDO:0009757, OMIM 257220.

Allele frequency attached by ClinVar (database versions not stated): gnomAD exomes below 0.00001.
gnomAD v4.1: 2 of 1,614,054 alleles (0.00012%); highest among the groups gnomAD compares: Admixed American, 0.0017%; no homozygotes.

Submission:

Labcorp Genetics (formerly Invitae), Labcorp
Classification: Uncertain significance for Niemann-Pick disease, type C1. Last evaluated: 2021-11-23. Review status: criteria provided, single submitter. Criteria: Invitae Variant Classification Sherloc (09022015). Collection method: clinical testing. Allele origin: germline.
Comment: Variants that disrupt the consensus splice site are a relatively common cause of aberrant splicing (PMID: 17576681, 9536098). Algorithms developed to predict the effect of sequence changes on RNA splicing suggest that this variant is not likely to affect RNA splicing. This sequence change falls in intron 23 of the NPC1 gene. It does not directly change the encoded amino acid sequence of the NPC1 protein. It affects a nucleotide within the consensus splice site. This variant is not present in population databases (gnomAD no frequency). This variant has not been reported in the literature in individuals affected with NPC1-related conditions. In summary, the available evidence is currently insufficient to determine the role of this variant in disease. Therefore, it has been classified as a Variant of Uncertain Significance.

Literature cited by the submitters: PubMed 17576681; PubMed 9536098.

NM_000271.5(NPC1):c.3592-3T>C

Gene: NPC1 (NPC intracellular cholesterol transporter 1; minus strand). Cytogenetic location: 18q11.2.
Variant type: single nucleotide variant.
Coding change: c.3592-3T>C on transcript NM_000271.5 (MANE Select); 3 bases into the intron before coding-DNA position 3592, T replaced by C.
Molecular consequence: intron variant.
Genome position (GRCh38, 1-based): chr18:23,533,520, A>G on the plus strand (T>C on the coding strand, the complement: NPC1 is on the minus strand). VCF-style: chr18-23533520-A-G. GRCh37 (hg19) VCF-style: chr18-21113484-A-G.
Identifiers: ClinVar variation 1503109 (VCV001503109.6), dbSNP rs2145336490, ClinGen allele CA2537878328.